The following is an entry in ClinVar:

NM_014974.3(DIP2C):c.718G>A (p.Glu240Lys)

Gene: DIP2C (DIP2 acetate--CoA ligase C (putative); minus strand). Cytogenetic location: 10p15.3.
Variant type: single nucleotide variant.
Coding change: c.718G>A on transcript NM_014974.3 (MANE Select); coding-DNA position 718, G replaced by A.
Protein change: p.Glu240Lys; replaces glutamic acid 240 with lysine.
Molecular consequence: missense variant.
Genome position (GRCh38, 1-based): chr10:419,086, C>T on the plus strand (G>A on the coding strand, the complement: DIP2C is on the minus strand). VCF-style: chr10-419086-C-T. GRCh37 (hg19) VCF-style: chr10-465026-C-T.
Other names: short protein forms E240K.
Identifiers: ClinVar variation 3082463 (VCV003082463.3), dbSNP rs752164092, ClinGen allele CA5381224.
Genomic context (GRCh38, chr10:419,086, plus strand): 5'-GTTTACCAGAAAAAAACGCATCTCTCCTTTGGGACGTACCATCCCCGGTCTCCATGAGCT[C>T]GGCGTTGCCGTACTTGGGCGCTGTCCGGGACCCCGTGGAACCCTGCGGTCTCTCCACCTG-3'
Protein context (NP_055789.1, residues 230-250): SRTAPKYGNA[Glu240Lys]LMETGDGVPV

ClinVar aggregate classification (germline): Uncertain significance. Review status: criteria provided, multiple submitters, no conflicts (2 of 4 stars). 2 submissions from 2 submitters: Uncertain significance (2). Last evaluated 2024-04-25.

Conditions:
Inborn genetic diseases. Identifiers: MedGen C0950123, MeSH D030342.

Allele frequency attached by ClinVar (database versions not stated): gnomAD exomes 0.00002; TOPMed 0.00002; ExAC 0.00003; gnomAD 0.00003.
gnomAD v4.1: 41 of 1,614,150 alleles (0.0025%); highest among the groups gnomAD compares: East Asian, 0.0089%; no homozygotes.

Submissions (2):

Labcorp Genetics (formerly Invitae), Labcorp
Classification: Uncertain significance. Last evaluated: 2024-04-25. Review status: criteria provided, single submitter. Criteria: Invitae Variant Classification Sherloc (09022015). Collection method: clinical testing. Allele origin: germline.
Comment: This sequence change replaces glutamic acid, which is acidic and polar, with lysine, which is basic and polar, at codon 240 of the DIP2C protein (p.Glu240Lys). This variant is present in population databases (rs752164092, gnomAD 0.03%). This variant has not been reported in the literature in individuals affected with DIP2C-related conditions. An algorithm developed to predict the effect of missense changes on protein structure and function (PolyPhen-2) suggests that this variant is likely to be tolerated. In summary, the available evidence is currently insufficient to determine the role of this variant in disease. Therefore, it has been classified as a Variant of Uncertain Significance.

Ambry Genetics
Classification: Uncertain significance for Inborn genetic diseases. Last evaluated: 2024-02-12. Review status: criteria provided, single submitter. Criteria: Ambry Variant Classification Scheme 2023. Collection method: clinical testing. Allele origin: germline.